The following is an entry in ClinVar:

NM_000059.4(BRCA2):c.1758_1759del (p.Lys586fs)

Gene: BRCA2 (BRCA2 DNA repair associated; plus strand). Cytogenetic location: 13q13.1.
Variant type: Deletion.
Coding change: c.1758_1759del on transcript NM_000059.4 (MANE Select); coding-DNA positions 1758 to 1759, 2 bases deleted (AA; older notation c.1758_1759delAA).
Protein change: p.Lys586fs; shifts the reading frame from lysine 586.
Molecular consequence: frameshift variant.
Genome position (GRCh38, 1-based): chr13:32,333,236-32,333,237, AA deleted; deleting any 2 consecutive bases within chr13:32,333,234-32,333,237 gives the same sequence; the c. name uses the placement nearest the transcript's 3' end. VCF-style (leftmost placement, unchanged base first): chr13-32333233-GAA-G. GRCh37 (hg19) VCF-style: chr13-32907370-GAA-G.
Other names: short protein forms K586fs.
Identifiers: ClinVar variation 628473 (VCV000628473.3), dbSNP rs1566224242, ClinGen allele CA913188566.

ClinVar aggregate classification (germline): Pathogenic (1 of 4 stars; one submission).

Conditions:
Hereditary cancer-predisposing syndrome. Also called: Neoplastic Syndromes, Hereditary; Tumor predisposition; Hereditary neoplastic syndrome; Hereditary Cancer Syndrome. Identifiers: Orphanet 140162, MedGen C0027672, MeSH D009386, MONDO:0015356.

Submission:

Color Diagnostics, LLC DBA Color Health
Classification: Pathogenic for Hereditary cancer-predisposing syndrome. Last evaluated: 2020-05-20. Review status: criteria provided, single submitter. Criteria: ACMG Guidelines, 2015. Collection method: clinical testing. Allele origin: germline.
Comment: This variant deletes 2 nucleotides in exon 10 of the BRCA2 gene, creating a frameshift and premature translation stop signal. This variant is expected to result in an absent or non-functional protein product. To our knowledge, this variant has not been reported in individuals affected with hereditary cancer in the literature. This variant has not been identified in the general population by the Genome Aggregation Database (gnomAD). Loss of BRCA2 function is a known mechanism of disease. Based on the available evidence, this variant is classified as Pathogenic.